The following is an entry in ClinVar:

NM_001023570.4(IQCB1):c.1594G>A (p.Gly532Arg)

Gene: IQCB1 (IQ motif containing B1; minus strand). Cytogenetic location: 3q13.33.
Variant type: single nucleotide variant.
Coding change: c.1594G>A on transcript NM_001023570.4 (MANE Select); coding-DNA position 1594, G replaced by A.
Protein change: p.Gly532Arg; replaces glycine 532 with arginine.
Molecular consequence: missense variant. On other transcripts: non-coding transcript variant (1).
Genome position (GRCh38, 1-based): chr3:121,770,548, C>T on the plus strand (G>A on the coding strand, the complement: IQCB1 is on the minus strand). VCF-style: chr3-121770548-C-T. GRCh37 (hg19) VCF-style: chr3-121489395-C-T.
Other names: c.1195G>A, p.Gly399Arg (NM_001023571.4); c.1594G>A, p.Gly532Arg (NM_001319107.2); short protein forms G399R, G532R.
Identifiers: ClinVar variation 1057261 (VCV001057261.6), dbSNP rs149207095, ClinGen allele CA2567047.

ClinVar aggregate classification (germline): Uncertain significance. Review status: criteria provided, multiple submitters, no conflicts (2 of 4 stars). 2 submissions from 2 submitters: Uncertain significance (2). Last evaluated 2024-02-23.

Conditions:
Senior-Loken syndrome 5 (SLSN5). Identifiers: Orphanet 3156, MedGen C1836517, MONDO:0012225, OMIM 609254.
Nephronophthisis. Also called: Juvenile Nephronophthisis. Identifiers: Orphanet 655, MedGen C0687120, MONDO:0019005, HP:0000090.

Allele frequency attached by ClinVar (database versions not stated): ExAC 0.00002; gnomAD exomes 0.00002 and 0.00005; gnomAD 0.00004 and 0.00005; TOPMed 0.00005; ESP Exome Variant Server 0.00015; 1000 Genomes Project 30x 0.00016; 1000 Genomes Project 0.00020.
gnomAD v4.1: 85 of 1,613,826 alleles (0.0053%); highest among the groups gnomAD compares: Non-Finnish European, 0.0066%; no homozygotes.

Submissions (2):

Fulgent Genetics
Classification: Uncertain significance for Senior-Loken syndrome 5. Last evaluated: 2024-02-23. Review status: criteria provided, single submitter. Criteria: ACMG Guidelines, 2015. Collection method: clinical testing. Allele origin: germline.

Labcorp Genetics (formerly Invitae), Labcorp
Classification: Uncertain significance for Nephronophthisis. Last evaluated: 2022-09-01. Review status: criteria provided, single submitter. Criteria: Invitae Variant Classification Sherloc (09022015). Collection method: clinical testing. Allele origin: germline.
Comment: This sequence change replaces glycine, which is neutral and non-polar, with arginine, which is basic and polar, at codon 532 of the IQCB1 protein (p.Gly532Arg). This variant is present in population databases (rs149207095, gnomAD 0.01%). This variant has not been reported in the literature in individuals affected with IQCB1-related conditions. ClinVar contains an entry for this variant (Variation ID: 1057261). Algorithms developed to predict the effect of missense changes on protein structure and function are either unavailable or do not agree on the potential impact of this missense change (SIFT: "Tolerated"; PolyPhen-2: "Possibly Damaging"; Align-GVGD: "Class C0"). In summary, the available evidence is currently insufficient to determine the role of this variant in disease. Therefore, it has been classified as a Variant of Uncertain Significance.